The following is an entry in ClinVar:

NM_001041.4(SI):c.2117C>T (p.Ala706Val)

Gene: SI (sucrase-isomaltase; minus strand). Cytogenetic location: 3q26.1.
Variant type: single nucleotide variant.
Coding change: c.2117C>T on transcript NM_001041.4 (MANE Select); coding-DNA position 2117, C replaced by T.
Protein change: p.Ala706Val; replaces alanine 706 with valine.
Molecular consequence: missense variant.
Genome position (GRCh38, 1-based): chr3:165,040,982, G>A on the plus strand (C>T on the coding strand, the complement: SI is on the minus strand). VCF-style: chr3-165040982-G-A. GRCh37 (hg19) VCF-style: chr3-164758770-G-A.
Other names: short protein forms A706V.
Identifiers: ClinVar variation 1522711 (VCV001522711.7), dbSNP rs753557397, ClinGen allele CA2690839.
Genomic context (GRCh38, chr3:165,040,982, plus strand): 5'-ATTGTACGTAGTACTCACTCATGAAGAACTGGTCTTGCTACTGTTTCTCCAAACACATGG[G>A]CTTTATAAAACAGAGTGTAGAGGAAGGGTAATAAGGTGTAGCGAATAGTTAAATACTGCC-3'
Protein context (NP_001032.2, residues 696-716): LPFLYTLFYK[Ala706Val]HVFGETVARP

ClinVar aggregate classification (germline): Uncertain significance (1 of 4 stars; one submission).

Allele frequency attached by ClinVar (database versions not stated): gnomAD exomes 0.00003; ExAC 0.00002.
gnomAD v4.1: 20 of 1,612,146 alleles (0.0012%); highest among the groups gnomAD compares: South Asian, 0.02%; no homozygotes.

Submission:

Labcorp Genetics (formerly Invitae), Labcorp
Classification: Uncertain significance. Last evaluated: 2021-02-14. Review status: criteria provided, single submitter. Criteria: Invitae Variant Classification Sherloc (09022015). Collection method: clinical testing. Allele origin: germline.
Comment: This sequence change replaces alanine with valine at codon 706 of the SI protein (p.Ala706Val). The alanine residue is moderately conserved and there is a small physicochemical difference between alanine and valine. In summary, the available evidence is currently insufficient to determine the role of this variant in disease. Therefore, it has been classified as a Variant of Uncertain Significance. Advanced modeling of protein sequence and biophysical properties (such as structural, functional, and spatial information, amino acid conservation, physicochemical variation, residue mobility, and thermodynamic stability) performed at Invitae indicates that this missense variant is expected to disrupt SI protein function. This variant has not been reported in the literature in individuals with SI-related conditions. This variant is present in population databases (rs753557397, ExAC 0.01%).